The following is an entry in ClinVar:

NM_001079668.3(NKX2-1):c.311G>A (p.Gly104Glu)

Genes: NKX2-1 (NK2 homeobox 1; minus strand), SFTA3 (surfactant associated 3; minus strand). Cytogenetic location: 14q13.3.
Variant type: single nucleotide variant.
Coding change: c.311G>A on transcript NM_001079668.3 (MANE Select); coding-DNA position 311, G replaced by A.
Protein change: p.Gly104Glu; replaces glycine 104 with glutamic acid.
Molecular consequence: missense variant.
Genome position (GRCh38, 1-based): chr14:36,519,137, C>T on the plus strand (G>A on the coding strand, the complement: NKX2-1 is on the minus strand). VCF-style: chr14-36519137-C-T. GRCh37 (hg19) VCF-style: chr14-36988342-C-T.
Other names: c.221G>A, p.Gly74Glu (NM_003317.4); short protein forms G104E, G74E.
Identifiers: ClinVar variation 2663455 (VCV002663455.1), dbSNP rs761461360, ClinGen allele CA389460853.
Genomic context (GRCh38, chr14:36,519,137, plus strand): 5'-ATGTTGCCCAGGTTGCCGTTGCAGTAGCCCCCCACGGCGGAGTGCGAGAGCTGGGGCACC[C>T]CCGCCGCCGTCATGTGGTAGGCGGCGGTGACGGCGCCGTGGTGCCCCACGGCGTGCTGCT-3'
Protein context (NP_001073136.1, residues 94-114): VTAAYHMTAA[Gly104Glu]VPQLSHSAVG

ClinVar aggregate classification (germline): Uncertain significance (1 of 4 stars; one submission).

Submission:

GeneDx
Classification: Uncertain significance. Last evaluated: 2023-04-14. Review status: criteria provided, single submitter. Criteria: GeneDx Variant Classification Process June 2021. Collection method: clinical testing. Allele origin: germline. Affected: yes.
Comment: Not observed at significant frequency in large population cohorts (gnomAD); In silico analysis supports that this missense variant does not alter protein structure/function; Has not been previously published as pathogenic or benign to our knowledge